The following is an entry in ClinVar:

ClinVar aggregate classification (germline): Uncertain significance (1 of 4 stars; one submission).

Conditions:
Hereditary cancer-predisposing syndrome. Also called: Neoplastic Syndromes, Hereditary; Tumor predisposition; Hereditary Cancer Syndrome; Hereditary neoplastic syndrome. Identifiers: Orphanet 140162, MedGen C0027672, MeSH D009386, MONDO:0015356.

Submission:

Ambry Genetics
Classification: Uncertain significance for Hereditary cancer-predisposing syndrome. Last evaluated: 2014-10-30. Review status: criteria provided, single submitter. Criteria: Ambry Variant Classification Scheme 2023. Collection method: clinical testing. Allele origin: germline.
Comment: The p.V243F variant (also known as c.727G>T), located in coding exon 7 of the NBN gene, results from a G to T substitution at nucleotide position 727. The valine at codon 243 is replaced by phenylalanine, an amino acid with highly similar properties. This variant was not reported in population based cohorts in the following databases: Database of Single Nucleotide Polymorphisms (dbSNP), NHLBI Exome Sequencing Project (ESP), and 1000 Genomes Project. In the ESP, this variant was not observed in 6503 samples (13006 alleles) with coverage at this position. To date, this alteration has been detected with an allele frequency of approximately 0.005% (greater than 22,000 alleles tested) in our clinical cohort. This amino acid position is not well conserved in available vertebrate species. In addition, this alteration is predicted to be tolerated by in silico analysis. Since supporting evidence is limited at this time, the clinical significance of p.V243F remains unclear.

NM_002485.5(NBN):c.727G>T (p.Val243Phe)

Gene: NBN (nibrin; minus strand). Cytogenetic location: 8q21.3.
Variant type: single nucleotide variant.
Coding change: c.727G>T on transcript NM_002485.5 (MANE Select); coding-DNA position 727, G replaced by T.
Protein change: p.Val243Phe; replaces valine 243 with phenylalanine.
Molecular consequence: missense variant.
Genome position (GRCh38, 1-based): chr8:89,970,533, C>A on the plus strand (G>T on the coding strand, the complement: NBN is on the minus strand). VCF-style: chr8-89970533-C-A. GRCh37 (hg19) VCF-style: chr8-90982761-C-A.
Other names: c.481G>T, p.Val161Phe (NM_001024688.3); short protein forms V243F, V161F.
Identifiers: ClinVar variation 186830 (VCV000186830.5), dbSNP rs786203253, ClinGen allele CA195992.